The following is an entry in ClinVar:

NM_000444.6(PHEX):c.1718C>T (p.Ala573Val)

Genes: PHEX (phosphate regulating endopeptidase X-linked; plus strand), PTCHD1-AS (PTCHD1 and PHEX antisense RNA; minus strand). Cytogenetic location: Xp22.11.
Variant type: single nucleotide variant.
Coding change: c.1718C>T on transcript NM_000444.6 (MANE Select); coding-DNA position 1718, C replaced by T.
Protein change: p.Ala573Val; replaces alanine 573 with valine.
Molecular consequence: missense variant.
Genome position (GRCh38, 1-based): chrX:22,219,053, C>T. VCF-style: chrX-22219053-C-T. GRCh37 (hg19) VCF-style: chrX-22237170-C-T.
Other names: c.1718C>T, p.Ala573Val (NM_001282754.2); short protein forms A573V.
Identifiers: ClinVar variation 803763 (VCV000803763.4), dbSNP rs1556135308, ClinGen allele CA412575751.

ClinVar aggregate classification (germline): Likely pathogenic. Review status: criteria provided, multiple submitters, no conflicts (2 of 4 stars). 2 submissions from 2 submitters: Likely pathogenic (2). Last evaluated 2023-04-05.

Conditions:
Familial X-linked hypophosphatemic vitamin D refractory rickets (XLHRD). Also called: HYPOPHOSPHATEMIC VITAMIN D-RESISTANT RICKETS; Hypophosphatemia, vitamin D-resistant rickets; Vitamin D-resistant rickets, X-linked; X-Linked Hypophosphatemia; Hypophosphatemic Rickets, X-Linked Dominant. Identifiers: Orphanet 89936, MedGen C0733682, MONDO:0010619, OMIM 307800.

Submissions (2):

Labcorp Genetics (formerly Invitae), Labcorp
Classification: Likely pathogenic. Last evaluated: 2023-04-05. Review status: criteria provided, single submitter. Criteria: Invitae Variant Classification Sherloc (09022015). Collection method: clinical testing. Allele origin: germline.
Comment: In summary, the currently available evidence indicates that the variant is pathogenic, but additional data are needed to prove that conclusively. Therefore, this variant has been classified as Likely Pathogenic. This variant disrupts the p.Ala573 amino acid residue in PHEX. Other variant(s) that disrupt this residue have been determined to be pathogenic (PMID: 10439971; Invitae). This suggests that this residue is clinically significant, and that variants that disrupt this residue are likely to be disease-causing. Algorithms developed to predict the effect of sequence changes on RNA splicing suggest that this variant may disrupt the consensus splice site. Advanced modeling of protein sequence and biophysical properties (such as structural, functional, and spatial information, amino acid conservation, physicochemical variation, residue mobility, and thermodynamic stability) performed at Invitae indicates that this missense variant is expected to disrupt PHEX protein function. ClinVar contains an entry for this variant (Variation ID: 803763). This missense change has been observed in individual(s) with clinical features of hypophosphatemia (Invitae). This variant is not present in population databases (gnomAD no frequency). This sequence change replaces alanine, which is neutral and non-polar, with valine, which is neutral and non-polar, at codon 573 of the PHEX protein (p.Ala573Val).

Mendelics
Classification: Likely pathogenic for Familial X-linked hypophosphatemic vitamin D refractory rickets. Last evaluated: 2019-05-28. Review status: criteria provided, single submitter. Criteria: Mendelics Assertion Criteria 2017. Collection method: clinical testing. Allele origin: unknown.

Literature cited by the submitters: PubMed 10439971 (cited by Labcorp Genetics (formerly Invitae), Labcorp).